The following is an entry in ClinVar:

NM_000051.4(ATM):c.2936T>C (p.Leu979Ser)

Gene: ATM (ATM serine/threonine kinase; plus strand). Cytogenetic location: 11q22.3.
Variant type: single nucleotide variant.
Coding change: c.2936T>C on transcript NM_000051.4 (MANE Select); coding-DNA position 2936, T replaced by C.
Protein change: p.Leu979Ser; replaces leucine 979 with serine.
Molecular consequence: missense variant.
Genome position (GRCh38, 1-based): chr11:108,271,265, T>C. VCF-style: chr11-108271265-T-C. GRCh37 (hg19) VCF-style: chr11-108141992-T-C.
Other names: c.2936T>C, p.Leu979Ser (NM_001351834.2); short protein forms L979S.
Identifiers: ClinVar variation 630618 (VCV000630618.14), dbSNP rs1565425094, ClinGen allele CA382547122.

ClinVar aggregate classification (germline): Uncertain significance. Review status: criteria provided, multiple submitters, no conflicts (2 of 4 stars). 3 submissions from 3 submitters: Uncertain significance (3). Last evaluated 2025-05-14.

Conditions:
Hereditary cancer-predisposing syndrome. Also called: Hereditary Cancer Syndrome; Neoplastic Syndromes, Hereditary; Tumor predisposition; Hereditary neoplastic syndrome. Identifiers: Orphanet 140162, MedGen C0027672, MeSH D009386, MONDO:0015356.
Ataxia-telangiectasia syndrome (AT). Also called: Ataxia-telangiectasia, complementation group D; AT, COMPLEMENTATION GROUP C; Ataxia-telangiectasia; ATAXIA-TELANGIECTASIA, COMPLEMENTATION GROUP A; ATAXIA-TELANGIECTASIA, FRESNO VARIANT; LOUIS-BAR SYNDROME. Identifiers: Orphanet 100, MedGen C0004135, MONDO:0008840, OMIM 208900.

Submissions (3):

Revvity Omics, Revvity
Classification: Uncertain significance for Ataxia-telangiectasia syndrome. Last evaluated: 2025-05-14. Review status: criteria provided, single submitter. Criteria: ACMG Guidelines, 2015. Collection method: clinical testing. Allele origin: germline.

Color Diagnostics, LLC DBA Color Health
Classification: Uncertain significance for Hereditary cancer-predisposing syndrome. Last evaluated: 2023-12-05. Review status: criteria provided, single submitter. Criteria: ACMG Guidelines, 2015. Collection method: clinical testing. Allele origin: germline.
Comment: This missense variant replaces leucine with serine at codon 979 of the ATM protein. Computational prediction suggests that this variant may not impact protein structure and function (internally defined REVEL score threshold <= 0.5, PMID: 27666373). To our knowledge, functional studies have not been reported for this variant. This variant has not been reported in individuals affected with ATM-related disorders in the literature. This variant has not been identified in the general population by the Genome Aggregation Database (gnomAD). The available evidence is insufficient to determine the role of this variant in disease conclusively. Therefore, this variant is classified as a Variant of Uncertain Significance.

Labcorp Genetics (formerly Invitae), Labcorp
Classification: Uncertain significance for Ataxia-telangiectasia syndrome. Last evaluated: 2022-09-22. Review status: criteria provided, single submitter. Criteria: Invitae Variant Classification Sherloc (09022015). Collection method: clinical testing. Allele origin: germline.
Comment: This sequence change replaces leucine, which is neutral and non-polar, with serine, which is neutral and polar, at codon 979 of the ATM protein (p.Leu979Ser). This variant is not present in population databases (gnomAD no frequency). This variant has not been reported in the literature in individuals affected with ATM-related conditions. ClinVar contains an entry for this variant (Variation ID: 630618). Algorithms developed to predict the effect of missense changes on protein structure and function output the following: SIFT: "Tolerated"; PolyPhen-2: "Benign"; Align-GVGD: "Class C0". The serine amino acid residue is found in multiple mammalian species, which suggests that this missense change does not adversely affect protein function. In summary, the available evidence is currently insufficient to determine the role of this variant in disease. Therefore, it has been classified as a Variant of Uncertain Significance.